The following is an entry in ClinVar:

NM_001382567.1(STIM1):c.1239-13C>T

Gene: STIM1 (stromal interaction molecule 1; plus strand). Cytogenetic location: 11p15.4.
Variant type: single nucleotide variant.
Coding change: c.1239-13C>T on transcript NM_001382567.1 (MANE Select); 13 bases into the intron before coding-DNA position 1239, C replaced by T.
Molecular consequence: intron variant. On other transcripts: missense variant (1).
Genome position (GRCh38, 1-based): chr11:4,083,250, C>T. VCF-style: chr11-4083250-C-T. GRCh37 (hg19) VCF-style: chr11-4104480-C-T.
Other names: c.1247C>T, p.Ser416Phe (NM_001382568.1); c.1017-13C>T (NM_001382578.1, NM_001382575.1, NM_001382576.1 and 4 more transcripts); c.750-13C>T (NM_001382580.1, NM_001382581.1); c.1239-13C>T (NM_001277962.2, NM_003156.4, NM_001277961.3); c.1011-13C>T (NM_001382570.1); c.1104-13C>T (NM_001382569.1); c.759-13C>T (NM_001382571.1); short protein forms S416F.
Identifiers: ClinVar variation 258969 (VCV000258969.12), dbSNP rs115353673, ClinGen allele CA5830439.
Genomic context (GRCh38, chr11:4,083,250, plus strand): 5'-CTGAGAAGAGGCTTCATTCCTATTGGGGCTCACACCAAGTCCATGCCTGCAGTTCTCTTT[C>T]CTCTGTCTTCAGGCAAGCACTGAGCGAGGTGACAGCAGCATTGCGGGAGCGCCTGCACCG-3'

ClinVar aggregate classification (germline): Benign/Likely benign. Review status: criteria provided, multiple submitters, no conflicts (2 of 4 stars). 5 submissions from 5 submitters: Benign (2); Likely benign (3). Last evaluated 2026-01-27.

Conditions:
Myopathy with tubular aggregates (TAM). Also called: Tubular Aggregate Myopathy. Identifiers: Orphanet 2593, MedGen C0410207, MONDO:0008051.
Stormorken syndrome (STRMK). Also called: THROMBOCYTOPATHY, ASPLENIA, AND MIOSIS. Identifiers: Orphanet 3204, MedGen C1861451, MONDO:0008497, OMIM 185070.
Combined immunodeficiency due to STIM1 deficiency. Also called: STIM1 DEFICIENCY; IMMUNODEFICIENCY 10. Identifiers: Orphanet 169090, Orphanet 317430, MedGen C2748557, MONDO:0013008, OMIM 612783.

Allele frequency attached by ClinVar (database versions not stated): gnomAD exomes 0.00039 and 0.00101; ExAC 0.00130; 1000 Genomes Project 0.00319; 1000 Genomes Project 30x 0.00359; gnomAD 0.00389 and 0.00426; TOPMed 0.00443; ESP Exome Variant Server 0.00454.
gnomAD v4.1: 1,179 of 1,613,590 alleles (0.073%); highest among the groups gnomAD compares: African/African-American, 1.4%; 8 homozygotes.

Submissions (5):

Labcorp Genetics (formerly Invitae), Labcorp
Classification: Benign for Myopathy with tubular aggregates; Combined immunodeficiency due to STIM1 deficiency; Stormorken syndrome. Last evaluated: 2026-01-27. Review status: criteria provided, single submitter. Criteria: Invitae Variant Classification Sherloc (09022015). Collection method: clinical testing. Allele origin: germline.

Blueprint Genetics
Classification: Likely benign. Last evaluated: 2024-11-14. Review status: criteria provided, single submitter. Criteria: ACMG Guidelines, 2015. Collection method: clinical testing. Allele origin: germline.

GeneDx
Classification: Likely benign. Last evaluated: 2018-04-23. Review status: criteria provided, single submitter. Criteria: GeneDx Variant Classification (06012015). Collection method: clinical testing. Allele origin: germline. Affected: yes.
Comment: This variant is considered likely benign or benign based on one or more of the following criteria: it is a conservative change, it occurs at a poorly conserved position in the protein, it is predicted to be benign by multiple in silico algorithms, and/or has population frequency not consistent with disease.

Breakthrough Genomics
Classification: Likely benign. Review status: criteria provided, single submitter. Criteria: ACMG Guidelines, 2015. Collection method: not provided. Allele origin: germline. Inheritance: Autosomal recessive inheritance. Affected: yes.

PreventionGenetics, part of Exact Sciences
Classification: Benign. Review status: criteria provided, single submitter. Criteria: ACMG Guidelines, 2015. Collection method: clinical testing. Allele origin: germline.